The following is an entry in ClinVar:

ClinVar aggregate classification (germline): Uncertain significance (1 of 4 stars; one submission).

Allele frequency attached by ClinVar (database versions not stated): TOPMed 0.00001; ExAC 0.00002; gnomAD 0.00002; gnomAD exomes 0.00002.
gnomAD v4.1: 26 of 1,613,838 alleles (0.0016%); highest among the groups gnomAD compares: Admixed American, 0.0083%; no homozygotes.

Submission:

Labcorp Genetics (formerly Invitae), Labcorp
Classification: Uncertain significance. Last evaluated: 2024-04-23. Review status: criteria provided, single submitter. Criteria: Invitae Variant Classification Sherloc (09022015). Collection method: clinical testing. Allele origin: germline.
Comment: This sequence change replaces glutamic acid, which is acidic and polar, with lysine, which is basic and polar, at codon 678 of the FN1 protein (p.Glu678Lys). This variant is present in population databases (rs755856715, gnomAD 0.01%). This variant has not been reported in the literature in individuals affected with FN1-related conditions. ClinVar contains an entry for this variant (Variation ID: 1980204). Advanced modeling of protein sequence and biophysical properties (such as structural, functional, and spatial information, amino acid conservation, physicochemical variation, residue mobility, and thermodynamic stability) performed at Invitae indicates that this missense variant is expected to disrupt FN1 protein function with a positive predictive value of 80%. In summary, the available evidence is currently insufficient to determine the role of this variant in disease. Therefore, it has been classified as a Variant of Uncertain Significance.

NM_212482.4(FN1):c.2032G>A (p.Glu678Lys)

Gene: FN1 (fibronectin 1; minus strand). Cytogenetic location: 2q35.
Variant type: single nucleotide variant.
Coding change: c.2032G>A on transcript NM_212482.4 (MANE Select); coding-DNA position 2032, G replaced by A.
Protein change: p.Glu678Lys; replaces glutamic acid 678 with lysine.
Molecular consequence: missense variant.
Genome position (GRCh38, 1-based): chr2:215,410,024, C>T on the plus strand (G>A on the coding strand, the complement: FN1 is on the minus strand). VCF-style: chr2-215410024-C-T. GRCh37 (hg19) VCF-style: chr2-216274747-C-T.
Other names: c.2032G>A, p.Glu678Lys (NM_001306129.2, NM_001306130.2, NM_001306131.2 and 13 more transcripts); short protein forms E678K.
Identifiers: ClinVar variation 1980204 (VCV001980204.4), dbSNP rs755856715, ClinGen allele CA2095090.